The following is an entry in ClinVar:

ClinVar aggregate classification (germline): Uncertain significance. Review status: criteria provided, multiple submitters, no conflicts (2 of 4 stars). 3 submissions from 3 submitters: Uncertain significance (3). Last evaluated 2023-10-12.

Conditions:
Hyperuricemia, pulmonary hypertension, renal failure, alkalosis syndrome (HUPRAS). Also called: HUPRA SYNDROME; HYPERURICEMIA, PULMONARY HYPERTENSION, RENAL FAILURE, AND ALKALOSIS SYNDROME. Identifiers: Orphanet 363694, MedGen C3151209, MONDO:0013458, OMIM 613845.

Allele frequency attached by ClinVar (database versions not stated): ExAC 0.00002; gnomAD exomes 0.00004; gnomAD 0.00008 and 0.00009.
gnomAD v4.1: 82 of 1,613,834 alleles (0.0051%); highest among the groups gnomAD compares: Admixed American, 0.032%; no homozygotes.

Submissions (3):

GeneDx
Classification: Uncertain significance. Last evaluated: 2023-10-12. Review status: criteria provided, single submitter. Criteria: GeneDx Variant Classification Process June 2021. Collection method: clinical testing. Allele origin: germline. Affected: yes.
Comment: In silico analysis supports that this missense variant does not alter protein structure/function; Has not been previously published as pathogenic or benign to our knowledge

Mayo Clinic Laboratories, Mayo Clinic
Classification: Uncertain significance. Last evaluated: 2023-06-12. Review status: criteria provided, single submitter. Criteria: ACMG Guidelines, 2015. Collection method: clinical testing. Allele origin: germline. Observed: 1 variant allele.
Comment: BP4

Illumina Laboratory Services, Illumina
Classification: Uncertain significance for Hyperuricemia, pulmonary hypertension, renal failure, alkalosis syndrome. Last evaluated: 2018-01-13. Review status: criteria provided, single submitter. Criteria: ICSL Variant Classification Criteria 13 December 2019. Collection method: clinical testing. Allele origin: germline.

NM_017827.4(SARS2):c.44G>C (p.Arg15Pro)

Genes: SARS2 (seryl-tRNA synthetase 2, mitochondrial; minus strand), LOC130064387 (ATAC-STARR-seq lymphoblastoid active region 14604; plus strand). Cytogenetic location: 19q13.2.
Variant type: single nucleotide variant.
Coding change: c.44G>C on transcript NM_017827.4 (MANE Select); coding-DNA position 44, G replaced by C.
Protein change: p.Arg15Pro; replaces arginine 15 with proline.
Molecular consequence: missense variant.
Genome position (GRCh38, 1-based): chr19:38,930,693, C>G on the plus strand (G>C on the coding strand, the complement: SARS2 is on the minus strand). VCF-style: chr19-38930693-C-G. GRCh37 (hg19) VCF-style: chr19-39421333-C-G.
Other names: p.Arg15Pro; c.44G>C, p.Arg15Pro (NM_001145901.2); short protein forms R15P.
Identifiers: ClinVar variation 329226 (VCV000329226.7), dbSNP rs773524954, ClinGen allele CA9423360.
Genomic context (GRCh38, chr19:38,930,693, plus strand): 5'-GTGAAACTTCTCCTTGGACTATCGTTGGAGATGCAGCCTCCCCGGGGCCGGAACCCCCGA[C>G]GAGTCAGCAAAGGCCACAAGCGCCGCGCCATGGACGCAGCCATCTTGGACCGGGAACAAG-3'
Protein context (NP_060297.1, residues 5-25): MARRLWPLLT[Arg15Pro]RGFRPRGGCI